The following is an entry in ClinVar:

Conditions:
Breast-ovarian cancer, familial, susceptibility to, 1 (BROVCA1). Also called: BRCA1 Hereditary Breast and Ovarian Cancer; OVARIAN CANCER, SUSCEPTIBILITY TO. Identifiers: Orphanet 145, MedGen C2676676, MONDO:0011450, OMIM 604370. Disease mechanism: loss of function.

Submission:

Brotman Baty Institute, University of Washington
No classification provided (evidence only). Condition: Breast-ovarian cancer, familial 1. Review status: no classification provided. Collection method: in vitro. Allele origin: not applicable. Functional consequence: functionally_normal.
ClinVar note: "not provided" was previously submitted as the classification for the variant. However, the classification appeared to be based only on an observation of functional data so it was converted to no classification on 2025-07-30.

NM_007294.4(BRCA1):c.5278-14C>A

Gene: BRCA1 (BRCA1 DNA repair associated; minus strand). Cytogenetic location: 17q21.31.
Variant type: single nucleotide variant.
Coding change: c.5278-14C>A on transcript NM_007294.4 (MANE Select); 14 bases into the intron before coding-DNA position 5278, C replaced by A.
Molecular consequence: intron variant.
Genome position (GRCh38, 1-based): chr17:43,051,131, G>T on the plus strand (C>A on the coding strand, the complement: BRCA1 is on the minus strand). VCF-style: chr17-43051131-G-T. GRCh37 (hg19) VCF-style: chr17-41203148-G-T.
Other names: c.5131-14C>A (NM_001407838.1, NM_001407848.1, NM_001407839.1 and 12 more transcripts); c.1894-14C>A (NM_001408410.1); c.5134-14C>A (NM_001407741.1, NM_001407747.1, NM_001407745.1 and 21 more transcripts); c.1888-14C>A (NM_001408415.1, NM_001408412.1, NM_001408413.1 and 2 more transcripts); c.1756-14C>A (NM_001408483.1, NM_001408491.1, NM_001408481.1 and 5 more transcripts); c.5272-14C>A (NM_001407634.1, NM_001407632.1, NM_001407627.1 and 14 more transcripts); c.5275-14C>A (NM_001407610.1, NM_001407621.1, NM_001407613.1 and 17 more transcripts); c.1843-14C>A (NM_001408442.1, NM_001408436.1, NM_001408435.1 and 10 more transcripts); and 74 more.
Identifiers: ClinVar variation 867937 (VCV000867937.3), dbSNP rs80358105, ClinGen allele CA916081080.
Genomic context (GRCh38, chr17:43,051,131, plus strand): 5'-ATGTTGGTGAAGGGCCCATAGCAACAGATTTCTAGCCCCCTGAAGATCTGGAAGAAGAGA[G>T]GAAGAGAGAGGGACAGGGGAATGGAGAGAAGGAAAATCTAGTTATAAAAGAATATTGGCT-3'